The following is an entry in ClinVar:

ClinVar aggregate classification (germline): Uncertain significance. Review status: criteria provided, multiple submitters, no conflicts (2 of 4 stars). 2 submissions from 2 submitters: Uncertain significance (2). Last evaluated 2025-05-05.

gnomAD v4.1: 15 of 1,613,708 alleles (0.00093%); highest among the groups gnomAD compares: Middle Eastern, 0.033%; no homozygotes.

Submissions (2):

GeneDx
Classification: Uncertain significance. Last evaluated: 2025-05-05. Review status: criteria provided, single submitter. Criteria: GeneDx Variant Classification Process June 2021. Collection method: clinical testing. Allele origin: germline. Affected: yes.
Comment: Has not been previously published as pathogenic or benign to our knowledge; In silico analysis suggests that this missense variant does not alter protein structure/function

Labcorp Genetics (formerly Invitae), Labcorp
Classification: Uncertain significance. Last evaluated: 2025-03-05. Review status: criteria provided, single submitter. Criteria: Invitae Variant Classification Sherloc (09022015). Collection method: clinical testing. Allele origin: germline.
Comment: This sequence change replaces valine, which is neutral and non-polar, with isoleucine, which is neutral and non-polar, at codon 84 of the ATP5A1 protein (p.Val84Ile). This variant is present in population databases (rs374860370, gnomAD 0.006%). This variant has not been reported in the literature in individuals affected with ATP5A1-related conditions. Invitae Evidence Modeling of protein sequence and biophysical properties (such as structural, functional, and spatial information, amino acid conservation, physicochemical variation, residue mobility, and thermodynamic stability) indicates that this missense variant is not expected to disrupt ATP5A1 protein function with a negative predictive value of 80%. In summary, the available evidence is currently insufficient to determine the role of this variant in disease. Therefore, it has been classified as a Variant of Uncertain Significance.

NM_004046.6(ATP5F1A):c.250G>A (p.Val84Ile)

Gene: ATP5F1A (ATP synthase F1 subunit alpha; minus strand). Cytogenetic location: 18q21.1.
Variant type: single nucleotide variant.
Coding change: c.250G>A on transcript NM_004046.6 (MANE Select); coding-DNA position 250, G replaced by A.
Protein change: p.Val84Ile; replaces valine 84 with isoleucine.
Molecular consequence: missense variant.
Genome position (GRCh38, 1-based): chr18:46,091,741, C>T on the plus strand (G>A on the coding strand, the complement: ATP5F1A is on the minus strand). VCF-style: chr18-46091741-C-T. GRCh37 (hg19) VCF-style: chr18-43671707-C-T.
Other names: c.100G>A, p.Val34Ile (NM_001001935.3, NM_001257335.2); c.250G>A, p.Val84Ile (NM_001001937.2, NM_001257334.2); c.250G>A (NM_001001937.1); short protein forms V34I, V84I.
Identifiers: ClinVar variation 3606468 (VCV003606468.3).
Genomic context (GRCh38, chr18:46,091,741, plus strand): 5'-CCTTTAAGCCTGAAGAAAACTCTACCATTTCTTCTGCTTGAACATTCCTCAGCCCATGTA[C>T]GCGGGCAATACCATCACCAATACTTAAGACACGCCCAGTTTCTTCAAGATCAACAGAGGT-3'
Protein context (NP_004037.1, residues 74-94): VLSIGDGIAR[Val84Ile]HGLRNVQAEE